The following is an entry in ClinVar:

NM_130849.4(SLC39A4):c.1332G>A (p.Gly444=)

Gene: SLC39A4 (solute carrier family 39 member 4; minus strand). Cytogenetic location: 8q24.3.
Variant type: single nucleotide variant.
Coding change: c.1332G>A on transcript NM_130849.4 (MANE Select); coding-DNA position 1332, G replaced by A.
Protein change: p.Gly444=; no amino-acid change (glycine 444 retained).
Molecular consequence: synonymous variant.
Genome position (GRCh38, 1-based): chr8:144,413,837, C>T on the plus strand (G>A on the coding strand, the complement: SLC39A4 is on the minus strand). VCF-style: chr8-144413837-C-T. GRCh37 (hg19) VCF-style: chr8-145639221-C-T.
Other names: c.1050G>A, p.Gly350= (NM_001374839.1); c.1257G>A, p.Gly419= (NM_017767.3).
Identifiers: ClinVar variation 793857 (VCV000793857.8), dbSNP rs781893329, ClinGen allele CA4941268.
Genomic context (GRCh38, chr8:144,413,837, plus strand): 5'-GGGCTTGGGCTGCCGGAGCTCGCTGGGTGCCAGCTGCAGGGACACACCGTGGCTGTGGCC[C>T]CCGTGGCTATGGCTGCTGTGGCCGCAGGGCCCGTCCTCCAGGTCCTGTGAGGGTAGGTGC-3'
Protein context (NP_570901.3, residues 434-454): GPCGHSSHSH[Gly444=]GHSHGVSLQL

ClinVar aggregate classification (germline): Likely benign. Review status: criteria provided, multiple submitters, no conflicts (2 of 4 stars). 2 submissions from 2 submitters: Likely benign (2). Last evaluated 2026-05-14.

Conditions:
SLC39A4-related disorder. Also called: SLC39A4-related condition.

Allele frequency attached by ClinVar (database versions not stated): TOPMed below 0.00001.
gnomAD v4.1: 11 of 1,594,856 alleles (0.00069%); highest among the groups gnomAD compares: Middle Eastern, 0.061%; no homozygotes.

Submissions (2):

PreventionGenetics, part of Exact Sciences
Classification: Likely benign for SLC39A4-related condition. Last evaluated: 2026-05-14. Review status: criteria provided, single submitter. Criteria: ACMG Guidelines, 2015. Collection method: clinical testing. Allele origin: germline.
Comment: This variant is classified as likely benign based on ACMG/AMP sequence variant interpretation guidelines (Richards et al. 2015 PMID: 25741868, with internal and published modifications).

Labcorp Genetics (formerly Invitae), Labcorp
Classification: Likely benign. Last evaluated: 2024-02-29. Review status: criteria provided, single submitter. Criteria: Invitae Variant Classification Sherloc (09022015). Collection method: clinical testing. Allele origin: germline.